The following is an entry in ClinVar:

ClinVar aggregate classification (germline): Pathogenic (1 of 4 stars; one submission).

Conditions:
Nemaline myopathy 2 (NEM2). Also called: Nemaline myopathy 2, autosomal recessive. Identifiers: MedGen C1850569, MONDO:0009725, OMIM 256030.

Submission:

Labcorp Genetics (formerly Invitae), Labcorp
Classification: Pathogenic for Nemaline myopathy 2. Last evaluated: 2022-03-28. Review status: criteria provided, single submitter. Criteria: Invitae Variant Classification Sherloc (09022015). Collection method: clinical testing. Allele origin: germline.
Comment: This sequence change creates a premature translational stop signal (p.Pro7445Glnfs*3) in the NEB gene. It is expected to result in an absent or disrupted protein product. Loss-of-function variants in NEB are known to be pathogenic (PMID: 25205138). This variant is not present in population databases (gnomAD no frequency). This variant has not been reported in the literature in individuals affected with NEB-related conditions. For these reasons, this variant has been classified as Pathogenic.

Literature cited by the submitters: PubMed 25205138.

NM_001164508.2(NEB):c.22229del (p.Pro7410fs)

Genes: NEB (nebulin; minus strand), RIF1 (replication timing regulatory factor 1; plus strand). Cytogenetic location: 2q23.3.
Variant type: Deletion.
Coding change: c.22229del on transcript NM_001164508.2 (MANE Select); coding-DNA position 22229, one base deleted (C; older notation c.22229delC).
Protein change: p.Pro7410fs; shifts the reading frame from proline 7410.
Molecular consequence: frameshift variant.
Genome position (GRCh38, 1-based): chr2:151,525,206, G deleted on the plus strand (C on the coding strand, the reverse complement: NEB is on the minus strand); the first of 2 consecutive G bases (chr2:151,525,206-151,525,207); deleting either gives the same sequence. VCF-style (leftmost placement, unchanged base first): chr2-151525205-TG-T. GRCh37 (hg19) VCF-style: chr2-152381719-TG-T.
Other names: c.22229del, p.Pro7410fs (NM_001164507.2); c.22334del, p.Pro7445fs (NM_001271208.2); c.17126del, p.Pro5709fs (NM_004543.5); short protein forms P7410fs, P7445fs, P5709fs.
Identifiers: ClinVar variation 2119018 (VCV002119018.4), dbSNP rs2552113494, ClinGen allele CA2580063998.